The following is an entry in ClinVar:

ClinVar aggregate classification (germline): Likely pathogenic (1 of 4 stars; one submission).

Conditions:
Intellectual developmental disorder with speech delay, autism, and dysmorphic facies. Identifiers: MedGen C5231456, MONDO:0032864, OMIM 618672.

Submission:

Cytogenetique et Genetique Moleculaire, CHU Besancon
Classification: Likely pathogenic for Intellectual developmental disorder with speech delay, autism, and dysmorphic facies. Last evaluated: 2023-08-13. Review status: criteria provided, single submitter. Criteria: ACMG Guidelines, 2015. Collection method: clinical testing. Allele origin: germline. Affected: yes.
Comment: The NM_014516.4:c.26-2A>G variant is an intronic variant in CNOT3 which is predicted to result in a alteration of consensus splice site (Spip and Splice AI), and likely results in an absent or disrupted protein product (PVS1). This variant is not present in gnomAD (PM2; v4.1.0). In summary, this variant meets criteria to be classified as likely pathogenic for CNOT3-related neurodevelopmental disorders based on the ACMG/AMP criteria applied (PVS1 PM2).

NM_014516.4(CNOT3):c.26-2A>G

Gene: CNOT3 (CCR4-NOT transcription complex subunit 3; plus strand). Cytogenetic location: 19q13.42.
Variant type: single nucleotide variant.
Coding change: c.26-2A>G on transcript NM_014516.4 (MANE Select); the canonical splice acceptor site of the intron before coding-DNA position 26, A replaced by G.
Molecular consequence: splice acceptor variant.
Genome position (GRCh38, 1-based): chr19:54,143,117, A>G. VCF-style: chr19-54143117-A-G. GRCh37 (hg19) VCF-style: chr19-54646853-A-G.
Identifiers: ClinVar variation 3387814 (VCV003387814.1).